The following is an entry in ClinVar:

NM_006567.5(FARS2):c.1153G>C (p.Val385Leu)

Gene: FARS2 (phenylalanyl-tRNA synthetase 2, mitochondrial; plus strand). Cytogenetic location: 6p25.1.
Variant type: single nucleotide variant.
Coding change: c.1153G>C on transcript NM_006567.5 (MANE Select); coding-DNA position 1153, G replaced by C.
Protein change: p.Val385Leu; replaces valine 385 with leucine.
Molecular consequence: missense variant.
Genome position (GRCh38, 1-based): chr6:5,613,256, G>C. VCF-style: chr6-5613256-G-C. GRCh37 (hg19) VCF-style: chr6-5613489-G-C.
Other names: c.1153G>C, p.Val385Leu (NM_001318872.2, NM_001374875.1, NM_001374876.1 and 4 more transcripts); c.1021G>C, p.Val341Leu (NM_001375258.1); c.457G>C, p.Val153Leu (NM_001375259.1, NM_001375260.1); short protein forms V153L, V341L, V385L.
Identifiers: ClinVar variation 4812123 (VCV004812123.1).

ClinVar aggregate classification (germline): Uncertain significance (1 of 4 stars; one submission).

Conditions:
Combined oxidative phosphorylation defect type 14. Also called: Combined oxidative phosphorylation deficiency 14. Identifiers: Orphanet 319519, MedGen C4755312, MONDO:0013986, OMIM 614946.

gnomAD v4.1: 1 of 1,613,510 alleles (0.000062%); highest among the groups gnomAD compares: Non-Finnish European, 0.000085%; no homozygotes.

Submission:

Labcorp Genetics (formerly Invitae), Labcorp
Classification: Uncertain significance for Combined oxidative phosphorylation defect type 14. Last evaluated: 2025-12-26. Review status: criteria provided, single submitter. Criteria: Invitae Variant Classification Sherloc (09022015). Collection method: clinical testing. Allele origin: germline.
Comment: This sequence change replaces valine, which is neutral and non-polar, with leucine, which is neutral and non-polar, at codon 385 of the FARS2 protein (p.Val385Leu). This variant is not present in population databases (gnomAD no frequency). This variant has not been reported in the literature in individuals affected with FARS2-related conditions. Invitae Evidence Modeling of protein sequence and biophysical properties (such as structural, functional, and spatial information, amino acid conservation, physicochemical variation, residue mobility, and thermodynamic stability) has been performed for this missense variant. However, the output from this modeling did not meet the statistical confidence thresholds required to predict the impact of this variant on FARS2 protein function. In summary, the available evidence is currently insufficient to determine the role of this variant in disease. Therefore, it has been classified as a Variant of Uncertain Significance.